The following is an entry in ClinVar:

ClinVar aggregate classification (germline): Uncertain significance (1 of 4 stars; one submission).

Submission:

Women's Health and Genetics/Laboratory Corporation of America, LabCorp
Classification: Uncertain significance. Last evaluated: 2022-07-15. Review status: criteria provided, single submitter. Criteria: LabCorp Variant Classification Summary - May 2015. Collection method: clinical testing. Allele origin: germline.
Comment: Variant summary: CD247 c.59-3_59-2delCA is located in a canonical splice-site and is predicted to affect mRNA splicing resulting in a significantly altered protein due to either exon skipping, shortening, or inclusion of intronic material. 4/4 computational tools predict no significant impact on normal splicing. However, these predictions have yet to be confirmed by functional studies. The variant was absent in 248388 control chromosomes (gnomAD). To our knowledge, no occurrence of c.59-3_59-2delCA in individuals affected with Severe Combined Immunodeficiency and no experimental evidence demonstrating its impact on protein function have been reported. No clinical diagnostic laboratories have submitted clinical-significance assessments for this variant to ClinVar after 2014. Based on the evidence outlined above, the variant was classified as uncertain significance.

NM_198053.3(CD247):c.59-3_59-2del

Gene: CD247 (CD247 molecule; minus strand). Cytogenetic location: 1q24.2.
Variant type: Microsatellite.
Coding change: c.59-3_59-2del on transcript NM_198053.3 (MANE Select); 3 bases into the intron before coding-DNA position 59 through the canonical splice acceptor site of the intron before coding-DNA position 59, 2 bases deleted (CA; older notation c.59-3_59-2delCA).
Molecular consequence: splice acceptor variant.
Genome position (GRCh38, 1-based): chr1:167,440,769-167,440,770, TG deleted on the plus strand (CA on the coding strand, the reverse complement: CD247 is on the minus strand); deleting any 2 consecutive bases within chr1:167,440,769-167,440,772 gives the same sequence; the c. name uses the placement nearest the transcript's 3' end. VCF-style (leftmost placement, unchanged base first): chr1-167440768-CTG-C. GRCh37 (hg19) VCF-style: chr1-167410005-CTG-C.
Other names: c.59-3_59-2del (NM_000734.4); c.152-3_152-2del (NM_001378516.1, NM_001378515.1).
Identifiers: ClinVar variation 1704630 (VCV001704630.1), dbSNP rs2524512671, ClinGen allele CA2580611507.
Genomic context (GRCh38, chr1:167,440,768, plus strand): 5'-AGAGGATTCCATCCAGCAGGTAGCAGAGTTTGGGATCCAGCAGGCCAAAGCTCTGTGCCT[CTG>C]TGCCAAGAGATAAAGCTGGTCAGCCAGGCCCAAGGTGACGAGAACACATCCCCATTACCC-3'